The following is an entry in ClinVar:

ClinVar aggregate classification (germline): Uncertain significance. Review status: criteria provided, multiple submitters, no conflicts (2 of 4 stars). 3 submissions from 3 submitters: Uncertain significance (3). Last evaluated 2025-05-19.

Conditions:
Inborn genetic diseases. Identifiers: MedGen C0950123, MeSH D030342.

Allele frequency attached by ClinVar (database versions not stated): ExAC 0.00002; gnomAD exomes 0.00002.
gnomAD v4.1: 32 of 1,613,988 alleles (0.002%); highest among the groups gnomAD compares: South Asian, 0.0044%; no homozygotes.

Submissions (3):

Labcorp Genetics (formerly Invitae), Labcorp
Classification: Uncertain significance. Last evaluated: 2025-05-19. Review status: criteria provided, single submitter. Criteria: Invitae Variant Classification Sherloc (09022015). Collection method: clinical testing. Allele origin: germline.
Comment: This sequence change replaces arginine, which is basic and polar, with tryptophan, which is neutral and slightly polar, at codon 934 of the ABCC2 protein (p.Arg934Trp). This variant is present in population databases (rs777771609, gnomAD 0.01%). This variant has not been reported in the literature in individuals affected with ABCC2-related conditions. ClinVar contains an entry for this variant (Variation ID: 594384). Invitae Evidence Modeling of protein sequence and biophysical properties (such as structural, functional, and spatial information, amino acid conservation, physicochemical variation, residue mobility, and thermodynamic stability) indicates that this missense variant is not expected to disrupt ABCC2 protein function with a negative predictive value of 95%. In summary, the available evidence is currently insufficient to determine the role of this variant in disease. Therefore, it has been classified as a Variant of Uncertain Significance.

Ambry Genetics
Classification: Uncertain significance for Inborn genetic diseases. Last evaluated: 2024-06-07. Review status: criteria provided, single submitter. Criteria: Ambry Variant Classification Scheme 2023. Collection method: clinical testing. Allele origin: germline.

Eurofins Ntd Llc (ga)
Classification: Uncertain significance. Last evaluated: 2017-10-03. Review status: criteria provided, single submitter. Criteria: EGL Classification Definitions 2015. Collection method: clinical testing. Allele origin: germline. Observed: 1 variant allele, 1 heterozygote.

NM_000392.5(ABCC2):c.2800C>T (p.Arg934Trp)

Genes: ABCC2 (ATP binding cassette subfamily C member 2; plus strand), LOC126861012 (BRD4-independent group 4 enhancer GRCh37_chr10:101589748-101590947; plus strand). Cytogenetic location: 10q24.2.
Variant type: single nucleotide variant.
Coding change: c.2800C>T on transcript NM_000392.5 (MANE Select); coding-DNA position 2800, C replaced by T.
Protein change: p.Arg934Trp; replaces arginine 934 with tryptophan.
Molecular consequence: missense variant.
Genome position (GRCh38, 1-based): chr10:99,830,768, C>T. VCF-style: chr10-99830768-C-T. GRCh37 (hg19) VCF-style: chr10-101590525-C-T.
Other names: c.2800C>T (NM_000392.3); c.2800C>T, p.Arg934Trp (LRG_1208t1); short protein forms R934W.
Identifiers: ClinVar variation 594384 (VCV000594384.7), dbSNP rs777771609, ClinGen allele CA5643611.
Genomic context (GRCh38, chr10:99,830,768, plus strand): 5'-TCTCTCAGTTCTAGGTCCAATGGCAGGCATCTGAAGTCCCTGAGAAACTCCTTGAAAACT[C>T]GGAATGTGAATAGCCTGAAGGAAGACGAAGAACTAGTGAAAGGACAAAAACTAATTAAGA-3'
Protein context (NP_000383.2, residues 924-944): LKSLRNSLKT[Arg934Trp]NVNSLKEDEE